The following is an entry in ClinVar:

NM_006231.4(POLE):c.3G>C (p.Met1Ile)

Genes: POLE (DNA polymerase epsilon, catalytic subunit; minus strand), LOC130009266 (ATAC-STARR-seq lymphoblastoid silent region 5123; plus strand). Cytogenetic location: 12q24.33.
Variant type: single nucleotide variant.
Coding change: c.3G>C on transcript NM_006231.4 (MANE Select); coding-DNA position 3, G replaced by C.
Protein change: p.Met1Ile; changes the start codon (methionine 1).
Molecular consequence: missense variant, initiator codon variant.
Genome position (GRCh38, 1-based): chr12:132,687,313, C>G on the plus strand (G>C on the coding strand, the complement: POLE is on the minus strand). VCF-style: chr12-132687313-C-G. GRCh37 (hg19) VCF-style: chr12-133263899-C-G.
Other names: short protein forms M1I.
Identifiers: ClinVar variation 824484 (VCV000824484.6), dbSNP rs1555231433, ClinGen allele CA387373576.

ClinVar aggregate classification (germline): Uncertain significance (1 of 4 stars; one submission).

Conditions:
Hereditary cancer-predisposing syndrome. Also called: Hereditary Cancer Syndrome; Tumor predisposition; Neoplastic Syndromes, Hereditary; Hereditary neoplastic syndrome. Identifiers: Orphanet 140162, MedGen C0027672, MeSH D009386, MONDO:0015356.

Submission:

Ambry Genetics
Classification: Uncertain significance for Hereditary cancer-predisposing syndrome. Last evaluated: 2026-02-05. Review status: criteria provided, single submitter. Criteria: Ambry Variant Classification Scheme 2023. Collection method: clinical testing. Allele origin: germline.
Comment: The p.M1? variant (also known as c.3G>C), located in coding exon 1 of the POLE gene, results from a G to C substitution at nucleotide position 3. This alters the methionine residue at the initiation codon (ATG). Another variant at this codon (c.1A>T) has been identified in conjunction with a second POLE variant (c.1686+32C>G) in individuals with features consistent with POLE deficiency; in at least one instance, the variants were identified in trans (Logan CV et al. Am J Hum Genet, 2018 Dec;103:1038-1044). This variant is considered to be rare based on population cohorts in the Genome Aggregation Database (gnomAD). This amino acid position is well conserved in available vertebrate species. Sequence variations that modify the initiation codon are expected to result in either loss of translation initiation, N-terminal truncation, or cause a shift in the mRNA reading frame. Although biallelic loss of function of POLE has been associated with autosomal recessive POLE deficiency, haploinsufficiency of POLE has not been established as a mechanism of disease for POLE-related polymerase proofreading-associated polyposis (PPAP) and POLE-related CMMRD-like syndrome. Based on the supporting evidence, this variant is expected to be causative of POLE deficiency when present along with a second pathogenic variant on the other allele; however, its clinical significance for PPAP and POLE-related CMMRD-like syndrome is unclear.